The following is an entry in ClinVar:

NM_002223.4(ITPR2):c.5541T>A (p.Gly1847=)

Gene: ITPR2 (inositol 1,4,5-trisphosphate receptor type 2; minus strand). Cytogenetic location: 12p11.23.
Variant type: single nucleotide variant.
Coding change: c.5541T>A on transcript NM_002223.4 (MANE Select); coding-DNA position 5541, T replaced by A.
Protein change: p.Gly1847=; no amino-acid change (glycine 1847 retained).
Molecular consequence: synonymous variant.
Genome position (GRCh38, 1-based): chr12:26,487,081, A>T on the plus strand (T>A on the coding strand, the complement: ITPR2 is on the minus strand). VCF-style: chr12-26487081-A-T. GRCh37 (hg19) VCF-style: chr12-26640014-A-T.
Other names: c.5538T>A, p.Gly1846= (NM_001414174.1); c.5541T>A, p.Gly1847= (NM_001414175.1).
Identifiers: ClinVar variation 3027139 (VCV003027139.22), dbSNP rs2540363794, ClinGen allele CA478894721.

ClinVar aggregate classification (germline): Likely benign (1 of 4 stars; one submission).

Submission:

CeGaT Center for Human Genetics Tuebingen
Classification: Likely benign. Last evaluated: 2024-01-01. Review status: criteria provided, single submitter. Criteria: CeGaT Center For Human Genetics Tuebingen Variant Classification Criteria Version 2. Collection method: clinical testing. Allele origin: germline. Affected: yes. Observed: 1 variant allele.
Comment: ITPR2: PM2:Supporting, BP4, BP7